The following is an entry in ClinVar:

NM_003640.5(ELP1):c.3142del (p.Leu1048fs)

Gene: ELP1 (elongator acetyltransferase complex subunit 1; minus strand). Cytogenetic location: 9q31.3.
Variant type: Deletion.
Coding change: c.3142del on transcript NM_003640.5 (MANE Select); coding-DNA position 3142, one base deleted (C; older notation c.3142delC).
Protein change: p.Leu1048fs; shifts the reading frame from leucine 1048.
Molecular consequence: frameshift variant.
Genome position (GRCh38, 1-based): chr9:108,891,221, G deleted on the plus strand (C on the coding strand, the reverse complement: ELP1 is on the minus strand); the first of 2 consecutive G bases (chr9:108,891,221-108,891,222); deleting either gives the same sequence. VCF-style (leftmost placement, unchanged base first): chr9-108891220-AG-A. GRCh37 (hg19) VCF-style: chr9-111653500-AG-A.
Other names: c.2800del, p.Leu934fs (NM_001318360.2); c.2095del, p.Leu699fs (NM_001330749.2); short protein forms L1048fs, L699fs, L934fs.
Identifiers: ClinVar variation 4815219 (VCV004815219.1).

ClinVar aggregate classification (germline): Likely pathogenic (1 of 4 stars; one submission).

Conditions:
Familial dysautonomia. Also called: HSAN III; FD. Identifiers: Orphanet 1764, MedGen C0013364, MONDO:0009131, OMIM 223900. Disease mechanism: loss of function.

Submission:

Natera, Inc.
Classification: Likely pathogenic for Familial dysautonomia. Last evaluated: 2024-03-06. Review status: criteria provided, single submitter. Criteria: Natera Variant Classification Schema (03/2026). Collection method: clinical testing. Allele origin: germline.
Comment: The c.3142delC variant in ELP1 is a frameshift variant predicted to shift the reading frame beginning at codon 1048 and leads to a stop codon 37 codons downstream. This variant is expected to result in nonsense mediated decay, truncation, or a dysfunctional protein product. This variant is rare in the general population with a frequency below the threshold expected for the associated phenotype(s). Given the available evidence, this variant is classified as Likely Pathogenic.